The following is an entry in ClinVar:

NM_001375524.1(TRRAP):c.5334+4A>C

Genes: TRRAP (transformation/transcription domain associated protein; plus strand), LOC126860121 (MED14-independent group 3 enhancer GRCh37_chr7:98547245-98548444; plus strand). Cytogenetic location: 7q22.1.
Variant type: single nucleotide variant.
Coding change: c.5334+4A>C on transcript NM_001375524.1 (MANE Select); 4 bases into the intron after coding-DNA position 5334, A replaced by C.
Molecular consequence: intron variant.
Genome position (GRCh38, 1-based): chr7:98,950,266, A>C. VCF-style: chr7-98950266-A-C. GRCh37 (hg19) VCF-style: chr7-98547889-A-C.
Other names: c.5313+4A>C (NM_001244580.2); c.5259+4A>C (NM_003496.4).
Identifiers: ClinVar variation 3612970 (VCV003612970.2).

ClinVar aggregate classification (germline): Uncertain significance (1 of 4 stars; one submission).

gnomAD v4.1: 11 of 1,614,096 alleles (0.00068%); highest among the groups gnomAD compares: East Asian, 0.022%; no homozygotes.

Submission:

Labcorp Genetics (formerly Invitae), Labcorp
Classification: Uncertain significance. Last evaluated: 2025-03-10. Review status: criteria provided, single submitter. Criteria: Invitae Variant Classification Sherloc (09022015). Collection method: clinical testing. Allele origin: germline.
Comment: This sequence change falls in intron 36 of the TRRAP gene. It does not directly change the encoded amino acid sequence of the TRRAP protein. It affects a nucleotide within the consensus splice site. This variant is present in population databases (rs782207907, gnomAD 0.04%). This variant has not been reported in the literature in individuals affected with TRRAP-related conditions. Variants that disrupt the consensus splice site are a relatively common cause of aberrant splicing (PMID: 17576681, 9536098). Algorithms developed to predict the effect of sequence changes on RNA splicing suggest that this variant may disrupt the consensus splice site. In summary, the available evidence is currently insufficient to determine the role of this variant in disease. Therefore, it has been classified as a Variant of Uncertain Significance.

Literature cited by the submitters: PubMed 17576681; PubMed 9536098.